The following is an entry in ClinVar:

ClinVar aggregate classification (germline): Pathogenic (1 of 4 stars; one submission).

Conditions:
Familial thoracic aortic aneurysm and aortic dissection (TAAD). Also called: Thoracic aortic aneurysms and dissections. Identifiers: Orphanet 91387, MedGen C4707243, MONDO:0019625.

Submission:

Labcorp Genetics (formerly Invitae), Labcorp
Classification: Pathogenic for Familial thoracic aortic aneurysm and aortic dissection. Last evaluated: 2023-10-18. Review status: criteria provided, single submitter. Criteria: Invitae Variant Classification Sherloc (09022015). Collection method: clinical testing. Allele origin: germline.
Comment: This sequence change replaces arginine, which is basic and polar, with proline, which is neutral and non-polar, at codon 537 of the TGFBR2 protein (p.Arg537Pro). This variant is not present in population databases (gnomAD no frequency). This missense change has been observed in individuals with clinical features of TGFBR2-related conditions (PMID: 21098638, 22734312; Invitae). ClinVar contains an entry for this variant (Variation ID: 1386732). Advanced modeling of protein sequence and biophysical properties (such as structural, functional, and spatial information, amino acid conservation, physicochemical variation, residue mobility, and thermodynamic stability) performed at Invitae indicates that this missense variant is expected to disrupt TGFBR2 protein function. Experimental studies have shown that this missense change affects TGFBR2 function (PMID: 7664267, 18339844, 21098638). This variant disrupts the p.Arg537 amino acid residue in TGFBR2. Other variant(s) that disrupt this residue have been determined to be pathogenic (PMID: 15235604, 18781618, 18827873, 20829218, 21098638, 21324918, 25116393, 27112580). This suggests that this residue is clinically significant, and that variants that disrupt this residue are likely to be disease-causing. For these reasons, this variant has been classified as Pathogenic.

Literature cited by the submitters: PubMed 21098638; PubMed 22734312; PubMed 7664267; PubMed 18339844; PubMed 15235604; PubMed 18781618; PubMed 18827873; PubMed 20829218; PubMed 21324918; PubMed 25116393; PubMed 27112580.

NM_003242.6(TGFBR2):c.1610G>C (p.Arg537Pro)

Gene: TGFBR2 (transforming growth factor beta receptor 2; plus strand). Cytogenetic location: 3p24.1.
Variant type: single nucleotide variant.
Coding change: c.1610G>C on transcript NM_003242.6 (MANE Select); coding-DNA position 1610, G replaced by C.
Protein change: p.Arg537Pro; replaces arginine 537 with proline.
Molecular consequence: missense variant.
Genome position (GRCh38, 1-based): chr3:30,691,505, G>C. VCF-style: chr3-30691505-G-C. GRCh37 (hg19) VCF-style: chr3-30732997-G-C.
Other names: c.1685G>C, p.Arg562Pro (NM_001024847.3); c.1793G>C, p.Arg598Pro (NM_001407126.1); c.1718G>C, p.Arg573Pro (NM_001407127.1); c.1637G>C, p.Arg546Pro (NM_001407128.1); c.1613G>C, p.Arg538Pro (NM_001407129.1); c.1607G>C, p.Arg536Pro (NM_001407130.1); c.1505G>C, p.Arg502Pro (NM_001407132.1, NM_001407133.1, NM_001407134.1 and 2 more transcripts); c.1325G>C, p.Arg442Pro (NM_001407137.1); and 2 more; short protein forms R537P, R562P, R598P, R417P, R442P, R538P, R573P, R247P.
Identifiers: ClinVar variation 1386732 (VCV001386732.7), dbSNP rs1057524810, ClinGen allele CA351809661.